The following is an entry in ClinVar:

NM_001244926.2(PRPF4):c.697A>G (p.Ile233Val)

Gene: PRPF4 (pre-mRNA splicing tri-snRNP complex factor PRPF4; plus strand). Cytogenetic location: 9q32.
Variant type: single nucleotide variant.
Coding change: c.697A>G on transcript NM_001244926.2 (MANE Select); coding-DNA position 697, A replaced by G.
Protein change: p.Ile233Val; replaces isoleucine 233 with valine.
Molecular consequence: missense variant. On other transcripts: 5 prime UTR variant (2), non-coding transcript variant (2).
Genome position (GRCh38, 1-based): chr9:113,284,337, A>G. VCF-style: chr9-113284337-A-G. GRCh37 (hg19) VCF-style: chr9-116046617-A-G.
Other names: c.-69A>G (NM_001322266.2, NM_001322267.2); c.700A>G, p.Ile234Val (NM_004697.5); short protein forms I234V, I233V.
Identifiers: ClinVar variation 2062210 (VCV002062210.4), dbSNP rs780505882, ClinGen allele CA5194977.
Genomic context (GRCh38, chr9:113,284,337, plus strand): 5'-ATTTTTTTTCTTTTTAAGTCTTTGAATAATTTTTGCAGTCAGATTGGGGATGATCGGCCT[A>G]TCTCCTACTGTCACTTTAGTCCCAATTCCAAGATGCTGGCCACAGCTTGTTGGTAAGTTC-3'
Protein context (NP_001231855.1, residues 223-243): FCSQIGDDRP[Ile233Val]SYCHFSPNSK

ClinVar aggregate classification (germline): Uncertain significance (1 of 4 stars; one submission).

Allele frequency attached by ClinVar (database versions not stated): gnomAD exomes below 0.00001; TOPMed below 0.00001; ExAC 0.00001.

Submission:

Labcorp Genetics (formerly Invitae), Labcorp
Classification: Uncertain significance. Last evaluated: 2022-09-08. Review status: criteria provided, single submitter. Criteria: Invitae Variant Classification Sherloc (09022015). Collection method: clinical testing. Allele origin: germline.
Comment: This sequence change replaces isoleucine, which is neutral and non-polar, with valine, which is neutral and non-polar, at codon 234 of the PRPF4 protein (p.Ile234Val). This variant is present in population databases (rs780505882, gnomAD 0.0009%). This variant has not been reported in the literature in individuals affected with PRPF4-related conditions. Algorithms developed to predict the effect of missense changes on protein structure and function (SIFT, PolyPhen-2, Align-GVGD) all suggest that this variant is likely to be tolerated. In summary, the available evidence is currently insufficient to determine the role of this variant in disease. Therefore, it has been classified as a Variant of Uncertain Significance.